The following is an entry in ClinVar:

ClinVar aggregate classification (germline): Benign. Review status: criteria provided, multiple submitters, no conflicts (2 of 4 stars). 3 submissions from 3 submitters: Benign (3). Last evaluated 2024-07-15.

Allele frequency attached by ClinVar (database versions not stated): 1000 Genomes Project 0.17812; TOPMed 0.18127; 1000 Genomes Project 30x 0.18395; gnomAD 0.18395 and 0.18515.
gnomAD v4.1: 244,884 of 1,514,910 alleles (16%); highest among the groups gnomAD compares: Admixed American, 32%; 20,470 homozygotes.

Submissions (3):

Unidad de Genómica Garrahan, Hospital de Pediatría Garrahan
Classification: Benign. Last evaluated: 2024-07-15. Review status: criteria provided, single submitter. Criteria: ACMG Guidelines, 2015. Collection method: clinical testing. Allele origin: germline. Affected: no. Observed: 38 variant alleles.
Comment: This variant is classified as Benign based on local population frequency. This variant was detected in 41% of patients studied in a panel designed for Epileptic and Developmental Encephalopathy and Progressive Myoclonus Epilepsy. Number of patients: 38. Only high quality variants are reported.

GeneDx
Classification: Benign. Last evaluated: 2018-06-25. Review status: criteria provided, single submitter. Criteria: GeneDx Variant Classification Process June 2021. Collection method: clinical testing. Allele origin: germline. Affected: yes.

Breakthrough Genomics
Classification: Benign. Review status: criteria provided, single submitter. Criteria: ACMG Guidelines, 2015. Collection method: not provided. Allele origin: germline. Inheritance: Autosomal recessive inheritance. Affected: yes.

NM_025243.4(SLC19A3):c.-2-62G>A

Gene: SLC19A3 (solute carrier family 19 member 3; minus strand). Cytogenetic location: 2q36.3.
Variant type: single nucleotide variant.
Coding change: c.-2-62G>A on transcript NM_025243.4 (MANE Select); 62 bases into the intron before 2 bases upstream of the start codon, G replaced by A.
Molecular consequence: intron variant.
Genome position (GRCh38, 1-based): chr2:227,702,382, C>T on the plus strand (G>A on the coding strand, the complement: SLC19A3 is on the minus strand). VCF-style: chr2-227702382-C-T. GRCh37 (hg19) VCF-style: chr2-228567098-C-T.
Other names: c.-210-62G>A (NM_001371413.1, NM_001371414.1); c.-2-62G>A (NM_001371411.1, NM_001371412.1).
Identifiers: ClinVar variation 1285950 (VCV001285950.4), dbSNP rs6713116, ClinGen allele CA11315114.